The following is an entry in ClinVar:

NM_024675.4(PALB2):c.3500C>G (p.Thr1167Arg)

Gene: PALB2 (partner and localizer of BRCA2; minus strand). Cytogenetic location: 16p12.2.
Variant type: single nucleotide variant.
Coding change: c.3500C>G on transcript NM_024675.4 (MANE Select); coding-DNA position 3500, C replaced by G.
Protein change: p.Thr1167Arg; replaces threonine 1167 with arginine.
Molecular consequence: missense variant.
Genome position (GRCh38, 1-based): chr16:23,603,520, G>C on the plus strand (C>G on the coding strand, the complement: PALB2 is on the minus strand). VCF-style: chr16-23603520-G-C. GRCh37 (hg19) VCF-style: chr16-23614841-G-C.
Other names: short protein forms T1167R.
Identifiers: ClinVar variation 490085 (VCV000490085.16), dbSNP rs1308784980, ClinGen allele CA395137901.

ClinVar aggregate classification (germline): Uncertain significance. Review status: criteria provided, multiple submitters, no conflicts (2 of 4 stars). 3 submissions from 3 submitters: Uncertain significance (3). Last evaluated 2023-12-05.

Conditions:
Hereditary cancer-predisposing syndrome. Also called: Hereditary Cancer Syndrome; Neoplastic Syndromes, Hereditary; Tumor predisposition; Hereditary neoplastic syndrome. Identifiers: Orphanet 140162, MedGen C0027672, MeSH D009386, MONDO:0015356.
Familial cancer of breast. Also called: Hereditary breast cancer; BREAST CANCER, FAMILIAL; hereditary breast carcinoma. Identifiers: Orphanet 227535, MedGen C0346153, MONDO:0016419, OMIM 114480. Disease mechanism: loss of function.

Allele frequency attached by ClinVar (database versions not stated): gnomAD 0.00001; TOPMed 0.00001.
gnomAD v4.1: 1 of 1,613,946 alleles (0.000062%); highest among the groups gnomAD compares: African/African-American, 0.0013%; no homozygotes.

Submissions (3):

Color Diagnostics, LLC DBA Color Health
Classification: Uncertain significance for Hereditary cancer-predisposing syndrome. Last evaluated: 2023-12-05. Review status: criteria provided, single submitter. Criteria: ACMG Guidelines, 2015. Collection method: clinical testing. Allele origin: germline.
Comment: This missense variant replaces threonine with arginine at codon 1167 of the PALB2 protein. Computational prediction suggests that this variant may not impact protein structure and function (internally defined REVEL score threshold <= 0.5, PMID: 27666373). To our knowledge, functional studies have not been reported for this variant. This variant has not been reported in individuals affected with PALB2-related disorders in the literature. This variant has not been identified in the general population by the Genome Aggregation Database (gnomAD). The available evidence is insufficient to determine the role of this variant in disease conclusively. Therefore, this variant is classified as a Variant of Uncertain Significance.

Labcorp Genetics (formerly Invitae), Labcorp
Classification: Uncertain significance for Familial cancer of breast. Last evaluated: 2023-05-26. Review status: criteria provided, single submitter. Criteria: Invitae Variant Classification Sherloc (09022015). Collection method: clinical testing. Allele origin: germline.
Comment: In summary, the available evidence is currently insufficient to determine the role of this variant in disease. Therefore, it has been classified as a Variant of Uncertain Significance. An algorithm developed to predict the effect of missense changes on protein structure and function (PolyPhen-2) suggests that this variant is likely to be disruptive. ClinVar contains an entry for this variant (Variation ID: 490085). This variant has not been reported in the literature in individuals affected with PALB2-related conditions. This variant is not present in population databases (gnomAD no frequency). This sequence change replaces threonine, which is neutral and polar, with arginine, which is basic and polar, at codon 1167 of the PALB2 protein (p.Thr1167Arg).

Ambry Genetics
Classification: Uncertain significance for Hereditary cancer-predisposing syndrome. Last evaluated: 2022-12-23. Review status: criteria provided, single submitter. Criteria: Ambry Variant Classification Scheme 2023. Collection method: clinical testing. Allele origin: germline.
Comment: The p.T1167R variant (also known as c.3500C>G), located in coding exon 13 of the PALB2 gene, results from a C to G substitution at nucleotide position 3500. The threonine at codon 1167 is replaced by arginine, an amino acid with similar properties. This amino acid position is conserved. In addition, this alteration is predicted to be tolerated by in silico analysis. Since supporting evidence is limited at this time, the clinical significance of this alteration remains unclear.